The following is an entry in ClinVar:

ClinVar aggregate classification (germline): Uncertain significance (1 of 4 stars; one submission).

Conditions:
TMEM67-related disorder. Also called: TMEM67-related disorders; TMEM67-related condition. Identifiers: MedGen CN239423.

gnomAD v4.1: 1 of 1,517,790 alleles (0.000066%); highest among the groups gnomAD compares: Non-Finnish European, 0.000091%; no homozygotes.

Submission:

PreventionGenetics, part of Exact Sciences
Classification: Uncertain significance for TMEM67-related condition. Last evaluated: 2026-03-30. Review status: criteria provided, single submitter. Criteria: ACMG Guidelines, 2015. Collection method: clinical testing. Allele origin: germline.
Comment: The TMEM67 c.2764+8C>G variant is predicted to interfere with splicing. To our knowledge, this variant has not been reported in the literature or in a large population database (gnomAD), indicating this variant is rare. At this time, the clinical significance of this variant is uncertain due to the absence of conclusive functional and genetic evidence.

NM_153704.6(TMEM67):c.2764+8C>G

Gene: TMEM67 (transmembrane protein 67; plus strand). Cytogenetic location: 8q22.1.
Variant type: single nucleotide variant.
Coding change: c.2764+8C>G on transcript NM_153704.6 (MANE Select); 8 bases into the intron after coding-DNA position 2764, C replaced by G.
Molecular consequence: intron variant.
Genome position (GRCh38, 1-based): chr8:93,809,895, C>G. VCF-style: chr8-93809895-C-G. GRCh37 (hg19) VCF-style: chr8-94822123-C-G.
Other names: c.2521+8C>G (NM_001142301.1).
Identifiers: ClinVar variation 4996509 (VCV004996509.1).